The following is an entry in ClinVar:

NM_001367624.2(ZNF469):c.9293C>T (p.Ala3098Val)

Gene: ZNF469 (zinc finger protein 469; plus strand). Cytogenetic location: 16q24.2.
Variant type: single nucleotide variant.
Coding change: c.9293C>T on transcript NM_001367624.2 (MANE Select); coding-DNA position 9293, C replaced by T.
Protein change: p.Ala3098Val; replaces alanine 3098 with valine.
Molecular consequence: missense variant.
Genome position (GRCh38, 1-based): chr16:88,436,763, C>T. VCF-style: chr16-88436763-C-T. GRCh37 (hg19) VCF-style: chr16-88503171-C-T.
Other names: NM_001127464.1:c.9209C>T; short protein forms A3098V.
Identifiers: ClinVar variation 1801092 (VCV001801092.1), dbSNP rs2507602538, ClinGen allele CA397121771.

ClinVar aggregate classification (germline): Uncertain significance (1 of 4 stars; one submission).

Submission:

GeneDx
Classification: Uncertain significance. Last evaluated: 2022-05-26. Review status: criteria provided, single submitter. Criteria: GeneDx Variant Classification Process June 2021. Collection method: clinical testing. Allele origin: germline. Affected: yes.
Comment: Not observed at significant frequency in large population cohorts (gnomAD); In silico analysis supports that this missense variant does not alter protein structure/function; Has not been previously published as pathogenic or benign to our knowledge